The following is an entry in ClinVar:

ClinVar aggregate classification (germline): Conflicting classifications of pathogenicity. Review status: criteria provided, conflicting classifications (1 of 4 stars). 2 submissions from 2 submitters: Uncertain significance (1); Likely benign (1). Last evaluated 2023-03-23.

Conditions:
Hereditary cancer-predisposing syndrome. Also called: Neoplastic Syndromes, Hereditary; Tumor predisposition; Hereditary neoplastic syndrome; Hereditary Cancer Syndrome. Identifiers: Orphanet 140162, MedGen C0027672, MeSH D009386, MONDO:0015356.

Submissions (2):

University of Washington Department of Laboratory Medicine, University of Washington
Classification: Likely benign for Hereditary cancer-predisposing syndrome. Last evaluated: 2023-03-23. Review status: criteria provided, single submitter. Criteria: Dines et al. (Genet Med. 2020). Collection method: curation. Allele origin: germline.
Comment: Missense variant in a coldspot region where missense variants are very unlikely to be pathogenic (PMID:31911673).

BRCA2 exon 11 coldspot. Reclassification based on statistical prior probability.

Ambry Genetics
Classification: Uncertain significance for Hereditary cancer-predisposing syndrome. Last evaluated: 2019-03-11. Review status: criteria provided, single submitter. Criteria: Ambry Variant Classification Scheme 2023. Collection method: clinical testing. Allele origin: germline.
Comment: The p.E1940A variant (also known as c.5819A>C), located in coding exon 10 of the BRCA2 gene, results from an A to C substitution at nucleotide position 5819. The glutamic acid at codon 1940 is replaced by alanine, an amino acid with dissimilar properties. This amino acid position is poorly conserved in available vertebrate species. In addition, this alteration is predicted to be tolerated by in silico analysis. Since supporting evidence is limited at this time, the clinical significance of this alteration remains unclear.

NM_000059.4(BRCA2):c.5819A>C (p.Glu1940Ala)

Gene: BRCA2 (BRCA2 DNA repair associated; plus strand). Cytogenetic location: 13q13.1.
Variant type: single nucleotide variant.
Coding change: c.5819A>C on transcript NM_000059.4 (MANE Select); coding-DNA position 5819, A replaced by C.
Protein change: p.Glu1940Ala; replaces glutamic acid 1940 with alanine.
Molecular consequence: missense variant.
Genome position (GRCh38, 1-based): chr13:32,340,174, A>C. VCF-style: chr13-32340174-A-C. GRCh37 (hg19) VCF-style: chr13-32914311-A-C.
Other names: short protein forms E1940A.
Identifiers: ClinVar variation 825993 (VCV000825993.6), dbSNP rs1593906648, ClinGen allele CA387787278.